The following is an entry in ClinVar:

NM_139215.3(TAF15):c.1380C>A (p.Gly460=)

Gene: TAF15 (TATA-box binding protein associated factor 15; plus strand). Cytogenetic location: 17q12.
Variant type: single nucleotide variant.
Coding change: c.1380C>A on transcript NM_139215.3 (MANE Select); coding-DNA position 1380, C replaced by A.
Protein change: p.Gly460=; no amino-acid change (glycine 460 retained).
Molecular consequence: synonymous variant.
Genome position (GRCh38, 1-based): chr17:35,844,679, C>A. VCF-style: chr17-35844679-C-A. GRCh37 (hg19) VCF-style: chr17-34171683-C-A.
Other names: c.1371C>A, p.Gly457= (NM_003487.4).
Identifiers: ClinVar variation 3046086 (VCV003046086.2), dbSNP rs146792937, ClinGen allele CA290041365.

ClinVar aggregate classification (germline): Likely benign (0 of 4 stars; one submission).

Conditions:
TAF15-related disorder. Also called: TAF15-related condition.

Allele frequency attached by ClinVar (database versions not stated): ESP Exome Variant Server 0.00123.
gnomAD v4.1: 112 of 1,596,656 alleles (0.007%); highest among the groups gnomAD compares: African/African-American, 0.058%; no homozygotes.

Submission:

PreventionGenetics, part of Exact Sciences
Classification: Likely benign for TAF15-related condition. Last evaluated: 2019-10-04. Review status: no assertion criteria provided. Collection method: clinical testing. Allele origin: germline.
Comment: This variant is classified as likely benign based on ACMG/AMP sequence variant interpretation guidelines (Richards et al. 2015 PMID: 25741868, with internal and published modifications).